The following is an entry in ClinVar:

ClinVar aggregate classification (germline): Likely benign (1 of 4 stars; one submission).

Submission:

CeGaT Center for Human Genetics Tuebingen
Classification: Likely benign. Last evaluated: 2024-10-01. Review status: criteria provided, single submitter. Criteria: CeGaT Center For Human Genetics Tuebingen Variant Classification Criteria Version 2. Collection method: clinical testing. Allele origin: germline. Affected: yes. Observed: 1 variant allele.
Comment: NRDC: PM2:Supporting, BP4, BP7

NM_001101662.2(NRDC):c.1596G>T (p.Leu532=)

Gene: NRDC (nardilysin convertase; minus strand). Cytogenetic location: 1p32.3.
Variant type: single nucleotide variant.
Coding change: c.1596G>T on transcript NM_001101662.2 (MANE Select); coding-DNA position 1596, G replaced by T.
Protein change: p.Leu532=; no amino-acid change (leucine 532 retained).
Molecular consequence: synonymous variant.
Genome position (GRCh38, 1-based): chr1:51,814,574, C>A on the plus strand (G>T on the coding strand, the complement: NRDC is on the minus strand). VCF-style: chr1-51814574-C-A. GRCh37 (hg19) VCF-style: chr1-52280246-C-A.
Other names: c.1404G>T, p.Leu468= (NM_001242361.2); c.1800G>T, p.Leu600= (NM_002525.3).
Identifiers: ClinVar variation 3388842 (VCV003388842.14).